The following is an entry in ClinVar:

ClinVar aggregate classification (germline): Likely benign (1 of 4 stars; one submission).

gnomAD v4.1: 11 of 1,614,048 alleles (0.00068%); highest among the groups gnomAD compares: Admixed American, 0.0083%; no homozygotes.

Submission:

CeGaT Center for Human Genetics Tuebingen
Classification: Likely benign. Last evaluated: 2025-08-01. Review status: criteria provided, single submitter. Criteria: CeGaT Center For Human Genetics Tuebingen Variant Classification Criteria Version 2. Collection method: clinical testing. Allele origin: germline. Affected: yes. Observed: 1 variant allele.
Comment: OGDHL: BP4, BP7

NM_018245.3(OGDHL):c.2409C>T (p.Phe803=)

Gene: OGDHL (oxoglutarate dehydrogenase L; minus strand). Cytogenetic location: 10q11.23.
Variant type: single nucleotide variant.
Coding change: c.2409C>T on transcript NM_018245.3 (MANE Select); coding-DNA position 2409, C replaced by T.
Protein change: p.Phe803=; no amino-acid change (phenylalanine 803 retained).
Molecular consequence: synonymous variant. On other transcripts: non-coding transcript variant (5).
Genome position (GRCh38, 1-based): chr10:49,738,055, G>A on the plus strand (C>T on the coding strand, the complement: OGDHL is on the minus strand). VCF-style: chr10-49738055-G-A. GRCh37 (hg19) VCF-style: chr10-50946101-G-A.
Other names: c.2238C>T, p.Phe746= (NM_001143996.2, NM_001347820.1); c.1782C>T, p.Phe594= (NM_001143997.2, NM_001347821.2, NM_001347822.1); c.2409C>T, p.Phe803= (NM_001347819.1); c.2229C>T, p.Phe743= (NM_001347823.1, NM_001347824.2); c.1602C>T, p.Phe534= (NM_001347825.2); c.1212C>T, p.Phe404= (NM_001347826.1).
Identifiers: ClinVar variation 4084599 (VCV004084599.8).